The following is an entry in ClinVar:

ClinVar aggregate classification (germline): Likely pathogenic (1 of 4 stars; one submission).

Conditions:
Primary ciliary dyskinesia. Also called: Ciliary dyskinesia. Identifiers: Orphanet 244, MedGen C0008780, MONDO:0016575, HP:0012265.

Submission:

Department of Human Genetics, Hannover Medical School
Classification: Likely pathogenic for Primary Ciliary Dyskinesia. Last evaluated: 2026-04-01. Review status: criteria provided, single submitter. Criteria: ACMG Guidelines, 2015. Collection method: research. Allele origin: germline. Affected: no.
Comment: Classification performed by HerediClassify using the following criteria:['PM2_supporting: Variant occures does not occur as homozygous in gnomAD.', 'PVS1_splicing_very_strong: Transcript ENST00000357162 undergoes NMD.']

NM_152564.5(VPS13B):c.9331-1_9332del

Gene: VPS13B (vacuolar protein sorting 13 homolog B; plus strand). Cytogenetic location: 8q22.2.
Variant type: Deletion.
Coding change: c.9331-1_9332del on transcript NM_152564.5 (MANE Select); the canonical splice acceptor site of the intron before coding-DNA position 9331 through coding-DNA position 9332, 3 bases deleted (GTA; older notation c.9331-1_9332delGTA).
Molecular consequence: splice acceptor variant.
Genome position (GRCh38, 1-based): chr8:99,832,368-99,832,370, GTA deleted; deleting any 3 consecutive bases within chr8:99,832,366-99,832,370 gives the same sequence; the c. name uses the placement nearest the transcript's 3' end. VCF-style (leftmost placement, unchanged base first): chr8-99832365-TTAG-T. GRCh37 (hg19) VCF-style: chr8-100844593-TTAG-T.
Other names: c.9406-1_9407del (NM_017890.5).
Identifiers: ClinVar variation 4880157 (VCV004880157.1).
Genomic context (GRCh38, chr8:99,832,365, plus strand): 5'-ATTCTGCTGTATTACTGTAGCTAATGTGCTCTCTGCATTTTTTTTTTTTTTTTTTTTTTT[TTAG>T]TATTTTCGTGTTCCAGACAGTGCTACTTTTAGCATTTGCCCAGGTGGAGAGCAGCCTGCT-3'